The following is an entry in ClinVar:

NM_001378454.1(ALMS1):c.9248T>A (p.Phe3083Tyr)

Gene: ALMS1 (ALMS1 centrosome and basal body associated protein; plus strand). Cytogenetic location: 2p13.1.
Variant type: single nucleotide variant.
Coding change: c.9248T>A on transcript NM_001378454.1 (MANE Select); coding-DNA position 9248, T replaced by A.
Protein change: p.Phe3083Tyr; replaces phenylalanine 3083 with tyrosine.
Molecular consequence: missense variant.
Genome position (GRCh38, 1-based): chr2:73,491,207, T>A. VCF-style: chr2-73491207-T-A. GRCh37 (hg19) VCF-style: chr2-73718334-T-A.
Other names: c.9251T>A, p.Phe3084Tyr (NM_015120.4); short protein forms F3083Y, F3084Y.
Identifiers: ClinVar variation 5035969 (VCV005035969.1).
Genomic context (GRCh38, chr2:73,491,207, plus strand): 5'-CTTTAGATGAAAGATTCCATTCATTGGATGCTGCTTCTAAAGCGAGGATGAATAGTGAGT[T>A]TAACTTTGACTTACATACTGTATCTTCGAGATCACTGGAACCAACCTCCAAATTATTGAC-3'
Protein context (NP_001365383.1, residues 3073-3093): AASKARMNSE[Phe3083Tyr]NFDLHTVSSR

ClinVar aggregate classification (germline): Uncertain significance (1 of 4 stars; one submission).

Conditions:
Cardiovascular phenotype. Identifiers: MedGen CN230736.

Submission:

Ambry Genetics
Classification: Uncertain significance for Cardiovascular phenotype. Last evaluated: 2026-07-22. Review status: criteria provided, single submitter. Criteria: Ambry Variant Classification Scheme 2023. Collection method: clinical testing. Allele origin: germline.
Comment: The p.F3084Y variant (also known as c.9251T>A), located in coding exon 10 of the ALMS1 gene, results from a T to A substitution at nucleotide position 9251. The phenylalanine at codon 3084 is replaced by tyrosine, an amino acid with highly similar properties. This amino acid position is highly conserved in available vertebrate species. In addition, this alteration is predicted to be tolerated by in silico analysis. Based on the available evidence, the clinical significance of this variant remains unclear.